The following is an entry in ClinVar:

ClinVar aggregate classification (germline): Uncertain significance (1 of 4 stars; one submission).

Conditions:
FG syndrome (FGS). Identifiers: MedGen C0220769, MONDO:0002010.

gnomAD v4.1: 1 of 1,199,734 alleles (0.000083%); highest among the groups gnomAD compares: East Asian, 0.003%; no homozygotes.

Submission:

Labcorp Genetics (formerly Invitae), Labcorp
Classification: Uncertain significance for FG syndrome. Last evaluated: 2025-12-30. Review status: criteria provided, single submitter. Criteria: Invitae Variant Classification Sherloc (09022015). Collection method: clinical testing. Allele origin: germline.
Comment: This sequence change replaces proline, which is neutral and non-polar, with serine, which is neutral and polar, at codon 1772 of the MED12 protein (p.Pro1772Ser). This variant is not present in population databases (gnomAD no frequency). This variant has not been reported in the literature in individuals affected with MED12-related conditions. Invitae Evidence Modeling of protein sequence and biophysical properties (such as structural, functional, and spatial information, amino acid conservation, physicochemical variation, residue mobility, and thermodynamic stability) indicates that this missense variant is not expected to disrupt MED12 protein function with a negative predictive value of 95%. In summary, the available evidence is currently insufficient to determine the role of this variant in disease. Therefore, it has been classified as a Variant of Uncertain Significance.

NM_005120.3(MED12):c.5314C>T (p.Pro1772Ser)

Gene: MED12 (mediator complex subunit 12; plus strand). Cytogenetic location: Xq13.1.
Variant type: single nucleotide variant.
Coding change: c.5314C>T on transcript NM_005120.3 (MANE Select); coding-DNA position 5314, C replaced by T.
Protein change: p.Pro1772Ser; replaces proline 1772 with serine.
Molecular consequence: missense variant.
Genome position (GRCh38, 1-based): chrX:71,136,569, C>T. VCF-style: chrX-71136569-C-T. GRCh37 (hg19) VCF-style: chrX-70356419-C-T.
Other names: short protein forms P1772S.
Identifiers: ClinVar variation 4690952 (VCV004690952.1).